The following is an entry in ClinVar:

NM_020806.5(GPHN):c.271G>A (p.Ala91Thr)

Gene: GPHN (gephyrin; plus strand). Cytogenetic location: 14q23.3.
Variant type: single nucleotide variant.
Coding change: c.271G>A on transcript NM_020806.5 (MANE Select); coding-DNA position 271, G replaced by A.
Protein change: p.Ala91Thr; replaces alanine 91 with threonine.
Molecular consequence: missense variant.
Genome position (GRCh38, 1-based): chr14:66,824,543, G>A. VCF-style: chr14-66824543-G-A. GRCh37 (hg19) VCF-style: chr14-67291261-G-A.
Other names: c.271G>A, p.Ala91Thr (NM_001024218.2, NM_001377514.1, NM_001377515.1 and 4 more transcripts); short protein forms A91T.
Identifiers: ClinVar variation 466209 (VCV000466209.8), dbSNP rs140021399, ClinGen allele CA7233704.
Genomic context (GRCh38, chr14:66,824,543, plus strand): 5'-ATAGATTGGTGTGATGAAAAGGAACTTAATTTGATATTAACAACTGGAGGAACAGGATTT[G>A]CACCACGAGATGTCACTCCAGAGGTGAGATAGTACATGCCTTTTCATATTCAAGGATTAA-3'
Protein context (NP_065857.1, residues 81-101): LILTTGGTGF[Ala91Thr]PRDVTPEATK

ClinVar aggregate classification (germline): Conflicting classifications of pathogenicity. Review status: criteria provided, conflicting classifications (1 of 4 stars). 3 submissions from 3 submitters: Uncertain significance (2); Likely benign (1). Last evaluated 2026-01-19.

Conditions:
Inborn genetic diseases. Identifiers: MedGen C0950123, MeSH D030342.
Sulfite oxidase deficiency due to molybdenum cofactor deficiency type C. Also called: Molybdenum cofactor deficiency C; Molybdenum cofactor deficiency, complementation group C. Identifiers: Orphanet 308400, Orphanet 833, MedGen C1854990, MONDO:0014212, OMIM 615501.

Allele frequency attached by ClinVar (database versions not stated): ExAC 0.00018; gnomAD 0.00019 and 0.00021; gnomAD exomes 0.00019 and 0.00023; TOPMed 0.00023; ESP Exome Variant Server 0.00062.
gnomAD v4.1: 344 of 1,566,036 alleles (0.022%); highest among the groups gnomAD compares: Non-Finnish European, 0.029%; no homozygotes.

Submissions (3):

Labcorp Genetics (formerly Invitae), Labcorp
Classification: Uncertain significance for Sulfite oxidase deficiency due to molybdenum cofactor deficiency type C. Last evaluated: 2026-01-19. Review status: criteria provided, single submitter. Criteria: Invitae Variant Classification Sherloc (09022015). Collection method: clinical testing. Allele origin: germline.
Comment: This sequence change replaces alanine, which is neutral and non-polar, with threonine, which is neutral and polar, at codon 91 of the GPHN protein (p.Ala91Thr). This variant is present in population databases (rs140021399, gnomAD 0.04%). This variant has not been reported in the literature in individuals affected with GPHN-related conditions. ClinVar contains an entry for this variant (Variation ID: 466209). Invitae Evidence Modeling of protein sequence and biophysical properties (such as structural, functional, and spatial information, amino acid conservation, physicochemical variation, residue mobility, and thermodynamic stability) indicates that this missense variant is not expected to disrupt GPHN protein function with a negative predictive value of 80%. In summary, the available evidence is currently insufficient to determine the role of this variant in disease. Therefore, it has been classified as a Variant of Uncertain Significance.

Blueprint Genetics
Classification: Uncertain significance. Last evaluated: 2023-12-22. Review status: criteria provided, single submitter. Criteria: ACMG Guidelines, 2015. Collection method: clinical testing. Allele origin: germline.

Ambry Genetics
Classification: Likely benign for Inborn genetic diseases. Last evaluated: 2021-08-02. Review status: criteria provided, single submitter. Criteria: Ambry Variant Classification Scheme 2023. Collection method: clinical testing. Allele origin: germline.